The following is an entry in ClinVar:

ClinVar aggregate classification (germline): Uncertain significance (1 of 4 stars; one submission).

Allele frequency attached by ClinVar (database versions not stated): ExAC 0.00001.
gnomAD v4.1: 5 of 1,614,010 alleles (0.00031%); highest among the groups gnomAD compares: Non-Finnish European, 0.00042%; no homozygotes.

Submission:

Ambry Genetics
Classification: Uncertain significance. Last evaluated: 2022-06-29. Review status: criteria provided, single submitter. Criteria: Ambry Variant Classification Scheme 2023. Collection method: clinical testing. Allele origin: germline.
Comment: The p.D403G variant (also known as c.1208A>G), located in coding exon 9 of the RINT1 gene, results from an A to G substitution at nucleotide position 1208. The aspartic acid at codon 403 is replaced by glycine, an amino acid with similar properties. This amino acid position is highly conserved in available vertebrate species. In addition, the in silico prediction for this alteration is inconclusive. The evidence for this gene-disease relationship is limited; therefore, the clinical significance of this alteration is unclear.

NM_021930.6(RINT1):c.1208A>G (p.Asp403Gly)

Gene: RINT1 (RAD50 interactor 1; plus strand). Cytogenetic location: 7q22.3.
Variant type: single nucleotide variant.
Coding change: c.1208A>G on transcript NM_021930.6 (MANE Select); coding-DNA position 1208, A replaced by G.
Protein change: p.Asp403Gly; replaces aspartic acid 403 with glycine.
Molecular consequence: missense variant. On other transcripts: non-coding transcript variant (1).
Genome position (GRCh38, 1-based): chr7:105,550,361, A>G. VCF-style: chr7-105550361-A-G. GRCh37 (hg19) VCF-style: chr7-105190808-A-G.
Other names: c.974A>G, p.Asp325Gly (NM_001346599.2); c.185A>G, p.Asp62Gly (NM_001346600.2, NM_001346603.2); c.284A>G, p.Asp95Gly (NM_001346601.2); short protein forms D62G, D325G, D95G, D403G.
Identifiers: ClinVar variation 1749191 (VCV001749191.2), dbSNP rs747055027, ClinGen allele CA4426622.